The following is an entry in ClinVar:

ClinVar aggregate classification (germline): Uncertain significance (1 of 4 stars; one submission).

Conditions:
Rhabdoid tumor predisposition syndrome 2 (RTPS2). Identifiers: Orphanet 231108, Orphanet 69077, MedGen C2750074, MONDO:0013224, OMIM 613325.

gnomAD v4.1: 2 of 1,614,152 alleles (0.00012%); highest among the groups gnomAD compares: Non-Finnish European, 0.00017%; no homozygotes.

Submission:

Labcorp Genetics (formerly Invitae), Labcorp
Classification: Uncertain significance for Rhabdoid tumor predisposition syndrome 2. Last evaluated: 2025-11-05. Review status: criteria provided, single submitter. Criteria: Invitae Variant Classification Sherloc (09022015). Collection method: clinical testing. Allele origin: germline.
Comment: This sequence change replaces valine, which is neutral and non-polar, with methionine, which is neutral and non-polar, at codon 766 of the SMARCA4 protein (p.Val766Met). This variant is not present in population databases (gnomAD no frequency). This variant has not been reported in the literature in individuals affected with SMARCA4-related conditions. Invitae Evidence Modeling of protein sequence and biophysical properties (such as structural, functional, and spatial information, amino acid conservation, physicochemical variation, residue mobility, and thermodynamic stability) indicates that this missense variant is expected to disrupt SMARCA4 protein function with a positive predictive value of 95%. In summary, the available evidence is currently insufficient to determine the role of this variant in disease. Therefore, it has been classified as a Variant of Uncertain Significance.

NM_003072.5(SMARCA4):c.2296G>A (p.Val766Met)

Gene: SMARCA4 (SWI/SNF related BAF chromatin remodeling complex subunit ATPase 4; plus strand). Cytogenetic location: 19p13.2.
Variant type: single nucleotide variant.
Coding change: c.2296G>A on transcript NM_003072.5 (MANE Select); coding-DNA position 2296, G replaced by A.
Protein change: p.Val766Met; replaces valine 766 with methionine.
Molecular consequence: missense variant. On other transcripts: non-coding transcript variant (1).
Genome position (GRCh38, 1-based): chr19:11,012,970, G>A. VCF-style: chr19-11012970-G-A. GRCh37 (hg19) VCF-style: chr19-11123646-G-A.
Other names: c.2296G>A, p.Val766Met (NM_001128844.3, NM_001128845.2, NM_001128846.2 and 6 more transcripts); short protein forms V766M.
Identifiers: ClinVar variation 4802563 (VCV004802563.1).
Genomic context (GRCh38, chr19:11,012,970, plus strand): 5'-CGGCCTTCAGTCCTGGCGTGGCCGCATCTGTCCTTGCAGATCAAAGGTTTGGAGTGGCTG[G>A]TGTCCCTGTACAACAACAACCTGAACGGCATCCTGGCCGACGAGATGGGCCTGGGGAAGA-3'
Protein context (NP_003063.2, residues 756-776): QYQIKGLEWL[Val766Met]SLYNNNLNGI